The following is an entry in ClinVar:

ClinVar aggregate classification (germline): Pathogenic (1 of 4 stars; one submission).

Conditions:
Hypertrophic cardiomyopathy 26. Also called: Cardiomyopathy, familial hypertrophic, 26. Identifiers: Orphanet 75249, MedGen C4310749, MONDO:0014883, OMIM 617047.
Myofibrillar myopathy 5. Also called: Filaminopathy (type); FILAMINOPATHY, AUTOSOMAL DOMINANT. Identifiers: Orphanet 171445, MedGen C1836050, MONDO:0012289, OMIM 609524.
Distal myopathy with posterior leg and anterior hand involvement. Also called: WILLIAMS DISTAL MYOPATHY. Identifiers: Orphanet 63273, MedGen C3279722, MONDO:0013550, OMIM 614065.

Submission:

Labcorp Genetics (formerly Invitae), Labcorp
Classification: Pathogenic for Distal myopathy with posterior leg and anterior hand involvement; Myofibrillar myopathy 5; Hypertrophic cardiomyopathy 26. Last evaluated: 2023-11-14. Review status: criteria provided, single submitter. Criteria: Invitae Variant Classification Sherloc (09022015). Collection method: clinical testing. Allele origin: germline.
Comment: This sequence change creates a premature translational stop signal (p.Arg269Aspfs*5) in the FLNC gene. It is expected to result in an absent or disrupted protein product. Loss-of-function variants in FLNC are known to be pathogenic (PMID: 27908349). This variant is not present in population databases (gnomAD no frequency). This variant has not been reported in the literature in individuals affected with FLNC-related conditions. For these reasons, this variant has been classified as Pathogenic.

Literature cited by the submitters: PubMed 27908349.

NM_001458.5(FLNC):c.804del (p.Arg269fs)

Gene: FLNC (filamin C; plus strand). Cytogenetic location: 7q32.1.
Variant type: Deletion.
Coding change: c.804del on transcript NM_001458.5 (MANE Select); coding-DNA position 804, one base deleted (T; older notation c.804delT).
Protein change: p.Arg269fs; shifts the reading frame from arginine 269.
Molecular consequence: frameshift variant.
Genome position (GRCh38, 1-based): chr7:128,837,502, T deleted; the last of 2 consecutive T bases (chr7:128,837,501-128,837,502); deleting either gives the same sequence. VCF-style (leftmost placement, unchanged base first): chr7-128837500-GT-G. GRCh37 (hg19) VCF-style: chr7-128477554-GT-G.
Other names: c.804del, p.Arg269fs (NM_001127487.2); short protein forms R269fs.
Identifiers: ClinVar variation 2953852 (VCV002953852.3), dbSNP rs2536618454, ClinGen allele CA2740097534.